The following is an entry in ClinVar:

NM_003628.6(PKP4):c.1470A>C (p.Gln490His)

Gene: PKP4 (plakophilin 4; plus strand). Cytogenetic location: 2q24.1.
Variant type: single nucleotide variant.
Coding change: c.1470A>C on transcript NM_003628.6 (MANE Select); coding-DNA position 1470, A replaced by C.
Protein change: p.Gln490His; replaces glutamine 490 with histidine.
Molecular consequence: missense variant.
Genome position (GRCh38, 1-based): chr2:158,634,197, A>C. VCF-style: chr2-158634197-A-C. GRCh37 (hg19) VCF-style: chr2-159490709-A-C.
Other names: c.1470A>C, p.Gln490His (NM_001005476.4, NM_001304971.2, NM_001377218.1 and 1 more transcripts); c.1467A>C, p.Gln489His (NM_001304969.3, NM_001377219.1, NM_001377220.1 and 2 more transcripts); c.441A>C, p.Gln147His (NM_001304970.3); c.1464A>C, p.Gln488His (NM_001377222.1, NM_001377223.1); c.1461A>C, p.Gln487His (NM_001377224.1); short protein forms Q488H, Q490H, Q147H, Q487H, Q489H.
Identifiers: ClinVar variation 4138162 (VCV004138162.1).

ClinVar aggregate classification (germline): Uncertain significance (1 of 4 stars; one submission).

Submission:

Ambry Genetics
Classification: Uncertain significance. Last evaluated: 2025-08-28. Review status: criteria provided, single submitter. Criteria: Ambry Variant Classification Scheme 2023. Collection method: clinical testing. Allele origin: germline.
Comment: The p.Q490H variant (also known as c.1470A>C), located in coding exon 8 of the PKP4 gene, results from an A to C substitution at nucleotide position 1470. The glutamine at codon 490 is replaced by histidine, an amino acid with highly similar properties. This amino acid position is conserved. In addition, this alteration is predicted to be tolerated by in silico analysis. Based on the available evidence, the clinical significance of this variant remains unclear.